The following is an entry in ClinVar:

NM_000222.3(KIT):c.1735_1737del (p.Asp579del)

Gene: KIT (KIT proto-oncogene, receptor tyrosine kinase; plus strand). Cytogenetic location: 4q12.
Variant type: Deletion.
Coding change: c.1735_1737del on transcript NM_000222.3 (MANE Select); coding-DNA positions 1735 to 1737, 3 bases deleted (GAT; older notation c.1735_1737delGAT).
Protein change: p.Asp579del; deletes aspartic acid 579.
Molecular consequence: inframe deletion.
Genome position (GRCh38, 1-based): chr4:54,727,503-54,727,505, GAT deleted; deleting any 3 consecutive bases within chr4:54,727,501-54,727,505 gives the same sequence; the c. name uses the placement nearest the transcript's 3' end. VCF-style (leftmost placement, unchanged base first): chr4-54727500-TATG-T. GRCh37 (hg19) VCF-style: chr4-55593666-TATG-T.
Other names: c.1735_1737delGAT (NM_000222.2); c.1723_1725del, p.Asp575del (NM_001093772.2, NM_001385286.1); c.1738_1740del, p.Asp580del (NM_001385284.1, NM_001385290.1); c.1735_1737del, p.Asp579del (NM_001385285.1); c.1726_1728del, p.Asp576del (NM_001385288.1, NM_001385292.1); short protein forms D579del, D575del, D576del, D580del.
Identifiers: ClinVar variation 409725 (VCV000409725.27), dbSNP rs1060502543, ClinGen allele CA16611553.

ClinVar aggregate classification (germline): Pathogenic. Review status: criteria provided, multiple submitters, no conflicts (2 of 4 stars). 4 submissions from 4 submitters: Pathogenic (4). Last evaluated 2026-09-30.
ClinVar aggregate classification (oncogenicity): Oncogenic (0 of 4 stars; one submission).

Conditions:
Hereditary cancer-predisposing syndrome. Also called: Hereditary Cancer Syndrome; Hereditary neoplastic syndrome; Neoplastic Syndromes, Hereditary; Tumor predisposition. Identifiers: Orphanet 140162, MedGen C0027672, MeSH D009386, MONDO:0015356.
Gastrointestinal stromal tumor. Also called: Gastrointestinal stroma tumor; Gastrointestinal stromal tumor, somatic. Identifiers: Orphanet 44890, MedGen C0238198, MeSH D046152, MONDO:0011719, OMIM 606764, HP:0100723.

Submissions (5):

Myriad Genetics, Inc.
Classification: Pathogenic for Gastrointestinal stromal tumor. Last evaluated: 2026-09-30. Review status: criteria provided, single submitter. Criteria: Myriad Autosomal Dominant, Autosomal Recessive and X-Linked Classification Criteria (2023). Collection method: clinical testing. Allele origin: unknown.
Comment: This variant is considered pathogenic. This variant has been reported in multiple individuals with clinical features of gene-specific disease [PMID: 41768227, 35791894, 25504284, 17943734, 24868028]. Functional studies indicate this variant impacts protein function [PMID: 9797363].

Labcorp Genetics (formerly Invitae), Labcorp
Classification: Pathogenic for Gastrointestinal stromal tumor. Last evaluated: 2025-08-30. Review status: criteria provided, single submitter. Criteria: Invitae Variant Classification Sherloc (09022015). Collection method: clinical testing. Allele origin: germline.
Comment: This variant, c.1735_1737del, results in the deletion of 1 amino acid(s) of the KIT protein (p.Asp579del), but otherwise preserves the integrity of the reading frame. This variant is not present in population databases (gnomAD no frequency). This variant has been observed in individual(s) with gastrointestinal stromal tumors (GIST) (PMID: 15897563, 17001171, 17943734, 25504284; internal data). It has also been observed to segregate with disease in related individuals. This variant is also known as 1756_1758delGAT and 1753del3. ClinVar contains an entry for this variant (Variation ID: 409725). Algorithms developed to predict the effect of variants on gene product structure and function are not available or were not evaluated for this variant. Experimental studies have shown that this variant affects KIT function (PMID: 9797363). For these reasons, this variant has been classified as Pathogenic.

Ambry Genetics
Classification: Pathogenic for Hereditary cancer-predisposing syndrome. Last evaluated: 2024-06-27. Review status: criteria provided, single submitter. Criteria: Ambry Variant Classification Scheme 2023. Collection method: clinical testing. Allele origin: germline.
Comment: The c.1735_1737delGAT pathogenic mutation (also known as p.D579del) is located in coding exon 11 of the KIT gene. This pathogenic mutation results from an in-frame GAT deletion at nucleotide positions 1735 to 1737. This results in the in-frame deletion of an aspartic acid at codon 579. This mutation has been reported as germline in multiple individuals with personal and family histories of gastrointestinal stromal tumors (GISTs), including three kindreds where this variant segregated with GIST tumors (Jones DH et al. Cancer Control, 2015 Jan;22:102-8; Lasota J et al. Am J Surg Pathol, 2006 Oct;30:1342; Wali GN et al. Clin Exp Dermatol, 2019 Jun;44:418-421; Tarn C et al. Clin Cancer Res, 2005 May;11:3668-77; Kleinbaum EP et al. Int J Cancer, 2008 Feb;122:711-8; Ambry internal data). One functional study showed consistent results between in vitro and in vivo assays that the KIT579del is an an activating gain of function alteration resulting in autophosphorylation, cell proliferation, and tumor formation in mice (Nakahara M et al. Gastroenterology, 1998 Nov;115:1090-5). Of note, this mutation is also designated as 1753del3, 1756_1758delGAT, Del579, and "deletion at codon 579 (Asp)" in published literature. This amino acid position is highly conserved in available vertebrate species. In addition, this alteration is predicted to be deleterious by in silico analysis (Choi Y et al. PLoS ONE. 2012; 7(10):e46688). This variant is considered to be rare based on population cohorts in the Genome Aggregation Database (gnomAD). Based on the supporting evidence, this variant is interpreted as a disease-causing mutation.

GeneDx
Classification: Pathogenic. Last evaluated: 2023-05-08. Review status: criteria provided, single submitter. Criteria: GeneDx Variant Classification Process June 2021. Collection method: clinical testing. Allele origin: germline.
Comment: In-frame deletion of one amino acid in a non-repeat region; Not observed at significant frequency in large population cohorts (gnomAD); Published functional studies suggest a damaging effect: in vitro and in vivo assays showed that the variant protein caused constitutive phosphorylation and strong kinase activity, supporting a gain-of-function effect (Nakahara et al., 1998); In silico analysis supports a deleterious effect on protein structure/function; In-silico analysis is inconclusive as to whether the variant alters gene splicing. In the absence of RNA/functional studies, the actual effect of this sequence change is unknown.; Observed in individuals with gastrointestinal stromal tumors referred for genetic testing at GeneDx and in published literature (Tarn et al., 2005; Lasota et al., 2007; Jones et al., 2015; Wali et al., 2019); This variant is associated with the following publications: (PMID: 30280421, 28236058, 25504284, 17001171, 29568401, 27687311, 24419427, 31124195, 15897563, 9797363, 35791894, 17943734, 24868028, 29937513, 33212994, 16625094)

National Institute of Cancer Research, National Health Research Institutes
Classification: Oncogenic for Gastrointestinal stromal tumor. Review status: no assertion criteria provided. Collection method: research. Allele origin: somatic. Observed: 1 variant allele.
Comment: clinical data

Literature cited by the submitters: PubMed 41768227 (cited by Myriad Genetics, Inc.); PubMed 35791894 (cited by Myriad Genetics, Inc.); PubMed 25504284 (cited by 3 submitters); PubMed 17943734 (cited by 3 submitters); PubMed 24868028 (cited by Myriad Genetics, Inc.); PubMed 9797363 (cited by 3 submitters); PubMed 15897563 (cited by Labcorp Genetics (formerly Invitae), Labcorp and Ambry Genetics); PubMed 17001171 (cited by Labcorp Genetics (formerly Invitae), Labcorp and Ambry Genetics); PubMed 30280421 (cited by Ambry Genetics).